The following is an entry in ClinVar:

NM_005002.5(NDUFA9):c.665G>A (p.Arg222Gln)

Gene: NDUFA9 (NADH:ubiquinone oxidoreductase subunit A9; plus strand). Cytogenetic location: 12p13.32.
Variant type: single nucleotide variant.
Coding change: c.665G>A on transcript NM_005002.5 (MANE Select); coding-DNA position 665, G replaced by A.
Protein change: p.Arg222Gln; replaces arginine 222 with glutamine.
Molecular consequence: missense variant.
Genome position (GRCh38, 1-based): chr12:4,668,466, G>A. VCF-style: chr12-4668466-G-A. GRCh37 (hg19) VCF-style: chr12-4777632-G-A.
Other names: short protein forms R222Q.
Identifiers: ClinVar variation 1523987 (VCV001523987.7), dbSNP rs375511497, ClinGen allele CA6398197.

ClinVar aggregate classification (germline): Uncertain significance. Review status: criteria provided, multiple submitters, no conflicts (2 of 4 stars). 2 submissions from 2 submitters: Uncertain significance (2). Last evaluated 2026-01-05.

Allele frequency attached by ClinVar (database versions not stated): ESP Exome Variant Server 0.00008; ExAC 0.00021; gnomAD exomes 0.00023.
gnomAD v4.1: 426 of 1,613,096 alleles (0.026%); highest among the groups gnomAD compares: Admixed American, 0.033%; no homozygotes.

Submissions (2):

Labcorp Genetics (formerly Invitae), Labcorp
Classification: Uncertain significance. Last evaluated: 2026-01-05. Review status: criteria provided, single submitter. Criteria: Invitae Variant Classification Sherloc (09022015). Collection method: clinical testing. Allele origin: germline.
Comment: This sequence change replaces arginine, which is basic and polar, with glutamine, which is neutral and polar, at codon 222 of the NDUFA9 protein (p.Arg222Gln). This variant is present in population databases (rs375511497, gnomAD 0.04%). This variant has not been reported in the literature in individuals affected with NDUFA9-related conditions. ClinVar contains an entry for this variant (Variation ID: 1523987). An algorithm developed to predict the effect of missense changes on protein structure and function outputs the following: PolyPhen-2: "Benign". The glutamine amino acid residue is found in multiple mammalian species, which suggests that this missense change does not adversely affect protein function. In summary, the available evidence is currently insufficient to determine the role of this variant in disease. Therefore, it has been classified as a Variant of Uncertain Significance.

Breakthrough Genomics
Classification: Uncertain significance. Review status: criteria provided, single submitter. Criteria: ACMG Guidelines, 2015. Collection method: not provided. Allele origin: germline. Inheritance: Autosomal recessive inheritance. Affected: yes.